The following is an entry in ClinVar:

NM_004385.5(VCAN):c.143C>T (p.Thr48Met)

Gene: VCAN (versican; plus strand). Cytogenetic location: 5q14.2.
Variant type: single nucleotide variant.
Coding change: c.143C>T on transcript NM_004385.5 (MANE Select); coding-DNA position 143, C replaced by T.
Protein change: p.Thr48Met; replaces threonine 48 with methionine.
Molecular consequence: missense variant.
Genome position (GRCh38, 1-based): chr5:83,490,170, C>T. VCF-style: chr5-83490170-C-T. GRCh37 (hg19) VCF-style: chr5-82785989-C-T.
Other names: c.143C>T, p.Thr48Met (NM_001126336.3, NM_001164097.2, NM_001164098.2); c.143C>T (NM_004385.4); short protein forms T48M.
Identifiers: ClinVar variation 1060256 (VCV001060256.10), dbSNP rs201043051, ClinGen allele CA3332402.

ClinVar aggregate classification (germline): Uncertain significance. Review status: criteria provided, multiple submitters, no conflicts (2 of 4 stars). 4 submissions from 4 submitters: Uncertain significance (4). Last evaluated 2025-08-01.

Conditions:
Inborn genetic diseases. Identifiers: MedGen C0950123, MeSH D030342.

Allele frequency attached by ClinVar (database versions not stated): gnomAD exomes 0.00001; 1000 Genomes Project 30x 0.00016; gnomAD 0.00001; 1000 Genomes Project 0.00020; ExAC 0.00002; TOPMed 0.00002.
gnomAD v4.1: 18 of 1,614,138 alleles (0.0011%); highest among the groups gnomAD compares: African/African-American, 0.0053%; no homozygotes.

Submissions (4):

Labcorp Genetics (formerly Invitae), Labcorp
Classification: Uncertain significance. Last evaluated: 2025-08-01. Review status: criteria provided, single submitter. Criteria: Invitae Variant Classification Sherloc (09022015). Collection method: clinical testing. Allele origin: germline.
Comment: This sequence change replaces threonine, which is neutral and polar, with methionine, which is neutral and non-polar, at codon 48 of the VCAN protein (p.Thr48Met). This variant is present in population databases (rs201043051, gnomAD 0.02%). This missense change has been observed in individual(s) with clinical features of VCAN-related conditions (internal data). ClinVar contains an entry for this variant (Variation ID: 1060256). An algorithm developed to predict the effect of missense changes on protein structure and function (PolyPhen-2) suggests that this variant is likely to be disruptive. In summary, the available evidence is currently insufficient to determine the role of this variant in disease. Therefore, it has been classified as a Variant of Uncertain Significance.

Ambry Genetics
Classification: Uncertain significance for Inborn genetic diseases. Last evaluated: 2025-03-26. Review status: criteria provided, single submitter. Criteria: Ambry Variant Classification Scheme 2023. Collection method: clinical testing. Allele origin: germline.

Blueprint Genetics
Classification: Uncertain significance. Last evaluated: 2022-03-06. Review status: criteria provided, single submitter. Criteria: ACMG Guidelines, 2015. Collection method: clinical testing. Allele origin: germline.

Breakthrough Genomics
Classification: Uncertain significance. Review status: criteria provided, single submitter. Criteria: ACMG Guidelines, 2015. Collection method: not provided. Allele origin: germline. Inheritance: Autosomal dominant inheritance. Affected: yes.